The following is an entry in ClinVar:

NM_004517.4(ILK):c.127C>G (p.Arg43Gly)

Genes: ILK (integrin linked kinase; plus strand), TAF10 (TATA-box binding protein associated factor 10; minus strand). Cytogenetic location: 11p15.4.
Variant type: single nucleotide variant.
Coding change: c.127C>G on transcript NM_004517.4 (MANE Select); coding-DNA position 127, C replaced by G.
Protein change: p.Arg43Gly; replaces arginine 43 with glycine.
Molecular consequence: missense variant. On other transcripts: 3 prime UTR variant (1), intron variant (1).
Genome position (GRCh38, 1-based): chr11:6,608,083, C>G. VCF-style: chr11-6608083-C-G. GRCh37 (hg19) VCF-style: chr11-6629313-C-G.
Other names: c.127C>G, p.Arg43Gly (NM_001014794.3, NM_001014795.3, NM_001278441.2); c.*2839G>C (NM_006284.4); c.-147-311C>G (NM_001278442.2); short protein forms R43G.
Identifiers: ClinVar variation 2451638 (VCV002451638.2), dbSNP rs1427320498, ClinGen allele CA379454466.

ClinVar aggregate classification (germline): Uncertain significance (1 of 4 stars; one submission).

Submission:

Ambry Genetics
Classification: Uncertain significance. Last evaluated: 2023-02-16. Review status: criteria provided, single submitter. Criteria: Ambry Variant Classification Scheme 2023. Collection method: clinical testing. Allele origin: germline.
Comment: The p.R43G variant (also known as c.127C>G), located in coding exon 2 of the ILK gene, results from a C to G substitution at nucleotide position 127. The arginine at codon 43 is replaced by glycine, an amino acid with dissimilar properties. This amino acid position is conserved. In addition, this alteration is predicted to be deleterious by in silico analysis. Since supporting evidence is limited at this time, the clinical significance of this alteration remains unclear.